The following is an entry in ClinVar:

NM_006648.4(WNK2):c.4813C>T (p.Pro1605Ser)

Gene: WNK2 (WNK lysine deficient protein kinase 2; plus strand). Cytogenetic location: 9q22.31.
Variant type: single nucleotide variant.
Coding change: c.4813C>T on transcript NM_006648.4 (MANE Select); coding-DNA position 4813, C replaced by T.
Protein change: p.Pro1605Ser; replaces proline 1605 with serine.
Molecular consequence: missense variant.
Genome position (GRCh38, 1-based): chr9:93,289,567, C>T. VCF-style: chr9-93289567-C-T. GRCh37 (hg19) VCF-style: chr9-96051849-C-T.
Other names: c.4924C>T, p.Pro1642Ser (NM_001282394.3); short protein forms P1605S, P1642S.
Identifiers: ClinVar variation 3333168 (VCV003333168.2).
Genomic context (GRCh38, chr9:93,289,567, plus strand): 5'-CTGGAGCCCCTGAGAGGGGACCAGCCCCGCTCAGAGGTCTGCGGGGGGGACCTGGCCCTG[C>T]CCCCAGTGCCTAAGGAGGCGGTCTCAGGGCGTGTCCAGCTGCCCCAGCCCTTGGTGAGTA-3'
Protein context (NP_006639.3, residues 1595-1615): SEVCGGDLAL[Pro1605Ser]PVPKEAVSGR

ClinVar aggregate classification (germline): Uncertain significance (1 of 4 stars; one submission).

gnomAD v4.1: 44 of 1,538,096 alleles (0.0029%); highest among the groups gnomAD compares: East Asian, 0.016%; no homozygotes.

Submission:

Ambry Genetics
Classification: Uncertain significance. Last evaluated: 2024-11-23. Review status: criteria provided, single submitter. Criteria: Ambry Variant Classification Scheme 2023. Collection method: clinical testing. Allele origin: germline.
Comment: The p.P1605S variant (also known as c.4813C>T), located in coding exon 19 of the WNK2 gene, results from a C to T substitution at nucleotide position 4813. The proline at codon 1605 is replaced by serine, an amino acid with similar properties. This amino acid position is conserved. In addition, this alteration is predicted to be tolerated by in silico analysis. Based on the available evidence, the clinical significance of this variant remains unclear.